The following is an entry in ClinVar:

NM_005475.3(SH2B3):c.649T>G (p.Trp217Gly)

Gene: SH2B3 (SH2B adaptor protein 3; plus strand). Cytogenetic location: 12q24.12.
Variant type: single nucleotide variant.
Coding change: c.649T>G on transcript NM_005475.3 (MANE Select); coding-DNA position 649, T replaced by G.
Protein change: p.Trp217Gly; replaces tryptophan 217 with glycine.
Molecular consequence: missense variant.
Genome position (GRCh38, 1-based): chr12:111,418,794, T>G. VCF-style: chr12-111418794-T-G. GRCh37 (hg19) VCF-style: chr12-111856598-T-G.
Other names: short protein forms W217G.
Identifiers: ClinVar variation 3953371 (VCV003953371.1).

ClinVar aggregate classification (germline): Uncertain significance (1 of 4 stars; one submission).

Conditions:
Inborn genetic diseases. Identifiers: MedGen C0950123, MeSH D030342.

Submission:

Ambry Genetics
Classification: Uncertain significance for Inborn genetic diseases. Last evaluated: 2025-03-22. Review status: criteria provided, single submitter. Criteria: Ambry Variant Classification Scheme 2023. Collection method: clinical testing. Allele origin: germline.
Comment: The p.W217G variant (also known as c.649T>G), located in coding exon 1 of the SH2B3 gene, results from a T to G substitution at nucleotide position 649. The tryptophan at codon 217 is replaced by glycine, an amino acid with highly dissimilar properties. This amino acid position is conserved. In addition, the in silico prediction for this alteration is inconclusive. Based on the available evidence, the clinical significance of this variant remains unclear.